The following is an entry in ClinVar:

ClinVar aggregate classification (germline): Likely benign (0 of 4 stars; one submission).

Conditions:
DAGLA-related disorder. Also called: DAGLA-related condition.

Allele frequency attached by ClinVar (database versions not stated): gnomAD exomes 0.00024; ExAC 0.00064; gnomAD 0.00210; TOPMed 0.00219; ESP Exome Variant Server 0.00229; 1000 Genomes Project 30x 0.00250; 1000 Genomes Project 0.00260.
gnomAD v4.1: 682 of 1,575,452 alleles (0.043%); highest among the groups gnomAD compares: African/African-American, 0.69%; 3 homozygotes.

Submission:

PreventionGenetics, part of Exact Sciences
Classification: Likely benign for DAGLA-related condition. Last evaluated: 2019-09-10. Review status: no assertion criteria provided. Collection method: clinical testing. Allele origin: germline.
Comment: This variant is classified as likely benign based on ACMG/AMP sequence variant interpretation guidelines (Richards et al. 2015 PMID: 25741868, with internal and published modifications).

NM_006133.3(DAGLA):c.2246C>T (p.Ala749Val)

Gene: DAGLA (diacylglycerol lipase alpha; plus strand). Cytogenetic location: 11q12.2.
Variant type: single nucleotide variant.
Coding change: c.2246C>T on transcript NM_006133.3 (MANE Select); coding-DNA position 2246, C replaced by T.
Protein change: p.Ala749Val; replaces alanine 749 with valine.
Molecular consequence: missense variant.
Genome position (GRCh38, 1-based): chr11:61,743,606, C>T. VCF-style: chr11-61743606-C-T. GRCh37 (hg19) VCF-style: chr11-61511078-C-T.
Other names: short protein forms A749V.
Identifiers: ClinVar variation 3057017 (VCV003057017.2), dbSNP rs149360213, ClinGen allele CA6037149.
Genomic context (GRCh38, chr11:61,743,606, plus strand): 5'-CTGAGATGAGCCTGGAGGGCTTCTCGGAGGGGCGGCTGCTGTCGCCAGTGGTTGCGGCGG[C>T]GGCCCGCCAGGACCCGGTGGAGCTGCTGCTGCTGTCTACCCAGGAGCGGCTGGCGGCGGA-3'
Protein context (NP_006124.1, residues 739-759): GRLLSPVVAA[Ala749Val]ARQDPVELLL